The following is an entry in ClinVar:

ClinVar aggregate classification (germline): Pathogenic (1 of 4 stars; one submission).

Submission:

Labcorp Genetics (formerly Invitae), Labcorp
Classification: Pathogenic. Last evaluated: 2023-11-06. Review status: criteria provided, single submitter. Criteria: Invitae Variant Classification Sherloc (09022015). Collection method: clinical testing. Allele origin: germline.
Comment: This sequence change creates a premature translational stop signal (p.Trp333Metfs*35) in the SLC38A8 gene. It is expected to result in an absent or disrupted protein product. Loss-of-function variants in SLC38A8 are known to be pathogenic (PMID: 24290379). The frequency data for this variant in the population databases is considered unreliable, as metrics indicate poor data quality at this position in the gnomAD database. This premature translational stop signal has been observed in individual(s) with autosomal recessive foveal hypoplasia (PMID: 32744312). For these reasons, this variant has been classified as Pathogenic.

Literature cited by the submitters: PubMed 24290379; PubMed 32744312.

NM_001080442.3(SLC38A8):c.995dup (p.Trp333fs)

Gene: SLC38A8 (solute carrier family 38 member 8; minus strand). Cytogenetic location: 16q23.3.
Variant type: Duplication.
Coding change: c.995dup on transcript NM_001080442.3 (MANE Select); coding-DNA position 995, one base duplicated (G; older notation c.995dupG).
Protein change: p.Trp333fs; shifts the reading frame from tryptophan 333.
Molecular consequence: frameshift variant.
Genome position (GRCh38, 1-based): chr16:84,016,686, C duplicated on the plus strand (G on the coding strand, the reverse complement: SLC38A8 is on the minus strand); the first of 6 consecutive C bases (chr16:84,016,686-84,016,691); duplicating any one gives the same sequence. VCF-style (leftmost placement, unchanged base first): chr16-84016685-T-TC. GRCh37 (hg19) VCF-style: chr16-84050290-T-TC.
Other names: short protein forms W333fs.
Identifiers: ClinVar variation 2994943 (VCV002994943.3), dbSNP rs752163032, ClinGen allele CA8199844.